The following is an entry in ClinVar:

NM_021784.5(FOXA2):c.1349A>T (p.Tyr450Phe)

Gene: FOXA2 (forkhead box A2; minus strand). Cytogenetic location: 20p11.21.
Variant type: single nucleotide variant.
Coding change: c.1349A>T on transcript NM_021784.5 (MANE Select); coding-DNA position 1349, A replaced by T.
Protein change: p.Tyr450Phe; replaces tyrosine 450 with phenylalanine.
Molecular consequence: missense variant.
Genome position (GRCh38, 1-based): chr20:22,581,893, T>A on the plus strand (A>T on the coding strand, the complement: FOXA2 is on the minus strand). VCF-style: chr20-22581893-T-A. GRCh37 (hg19) VCF-style: chr20-22562531-T-A.
Other names: c.1331A>T, p.Tyr444Phe (NM_153675.3); short protein forms Y444F, Y450F.
Identifiers: ClinVar variation 1467399 (VCV001467399.6), dbSNP rs753849283, ClinGen allele CA9786865.

ClinVar aggregate classification (germline): Uncertain significance (1 of 4 stars; one submission).

Allele frequency attached by ClinVar (database versions not stated): gnomAD 0.00005.

Submission:

Labcorp Genetics (formerly Invitae), Labcorp
Classification: Uncertain significance. Last evaluated: 2024-07-10. Review status: criteria provided, single submitter. Criteria: Invitae Variant Classification Sherloc (09022015). Collection method: clinical testing. Allele origin: germline.
Comment: This sequence change replaces tyrosine, which is neutral and polar, with phenylalanine, which is neutral and non-polar, at codon 450 of the FOXA2 protein (p.Tyr450Phe). This variant is present in population databases (rs753849283, gnomAD 0.007%). This variant has not been reported in the literature in individuals affected with FOXA2-related conditions. ClinVar contains an entry for this variant (Variation ID: 1467399). An algorithm developed to predict the effect of missense changes on protein structure and function (PolyPhen-2) suggests that this variant is likely to be disruptive. In summary, the available evidence is currently insufficient to determine the role of this variant in disease. Therefore, it has been classified as a Variant of Uncertain Significance.